The following is an entry in ClinVar:

ClinVar aggregate classification (germline): Benign/Likely benign. Review status: criteria provided, multiple submitters, no conflicts (2 of 4 stars). 2 submissions from 2 submitters: Benign (1); Likely benign (1). Last evaluated 2025-09-22.

Conditions:
SON-related disorder. Also called: SON-related condition.

Allele frequency attached by ClinVar (database versions not stated): TOPMed 0.00005; gnomAD 0.00009; gnomAD exomes 0.00018; 1000 Genomes Project 0.00040; ExAC 0.00046; 1000 Genomes Project 30x 0.00062.

Submissions (2):

PreventionGenetics, part of Exact Sciences
Classification: Likely benign for SON-related condition. Last evaluated: 2025-09-22. Review status: criteria provided, single submitter. Criteria: ACMG Guidelines, 2015. Collection method: clinical testing. Allele origin: germline.
Comment: This variant is classified as likely benign based on ACMG/AMP sequence variant interpretation guidelines (Richards et al. 2015 PMID: 25741868, with internal and published modifications).

Labcorp Genetics (formerly Invitae), Labcorp
Classification: Benign. Last evaluated: 2025-01-14. Review status: criteria provided, single submitter. Criteria: Invitae Variant Classification Sherloc (09022015). Collection method: clinical testing. Allele origin: germline.

NM_138927.4(SON):c.1107G>A (p.Ala369=)

Gene: SON (SON DNA and RNA binding protein; plus strand). Cytogenetic location: 21q22.11.
Variant type: single nucleotide variant.
Coding change: c.1107G>A on transcript NM_138927.4 (MANE Select); coding-DNA position 1107, G replaced by A.
Protein change: p.Ala369=; no amino-acid change (alanine 369 retained).
Molecular consequence: synonymous variant. On other transcripts: non-coding transcript variant (1), intron variant (1).
Genome position (GRCh38, 1-based): chr21:33,550,338, G>A. VCF-style: chr21-33550338-G-A. GRCh37 (hg19) VCF-style: chr21-34922644-G-A.
Other names: c.1107G>A, p.Ala369= (NM_001291411.2, NM_001412133.1, NM_032195.3 and 2 more transcripts); c.244+3959G>A (NM_001291412.3); c.1107G>A (NM_138927.2).
Identifiers: ClinVar variation 2074696 (VCV002074696.5), dbSNP rs544585680, ClinGen allele CA10008818.